The following is an entry in ClinVar:

NM_001368894.2(PAX6):c.-140T>A

Gene: PAX6 (paired box 6; minus strand). Cytogenetic location: 11p13.
Variant type: single nucleotide variant.
Coding change: c.-140T>A on transcript NM_001368894.2 (MANE Select); 140 bases upstream of the start codon, T replaced by A.
Molecular consequence: 5 prime UTR variant. On other transcripts: missense variant (1), initiator codon variant (1), non-coding transcript variant (2).
Genome position (GRCh38, 1-based): chr11:31,810,839, A>T on the plus strand (T>A on the coding strand, the complement: PAX6 is on the minus strand). VCF-style: chr11-31810839-A-T. GRCh37 (hg19) VCF-style: chr11-31832387-A-T.
Other names: c.-140T>A (NM_000280.6, NM_001127612.3, NM_001258462.3 and 26 more transcripts); c.-417T>A (NM_001368904.2); c.-921T>A (NM_001368905.2); c.-279T>A (NM_001368909.2); c.-40T>A (NM_001368910.2); c.2T>A, p.Met1Lys (NM_001368911.2); short protein forms M1K.
Identifiers: ClinVar variation 4879700 (VCV004879700.1).

ClinVar aggregate classification (germline): Uncertain significance (1 of 4 stars; one submission).

Conditions:
Isolated optic nerve hypoplasia. Also called: Bilateral optic nerve hypoplasia. Identifiers: Orphanet 637061, MedGen C1833797, MONDO:0008136, OMIM 165550.

Submission:

Victorian Clinical Genetics Services, Murdoch Childrens Research Institute
Classification: Uncertain significance for Isolated optic nerve hypoplasia. Last evaluated: 2026-04-30. Review status: criteria provided, single submitter. Criteria: ACMG Guidelines, 2015. Collection method: clinical testing. Allele origin: germline. Affected: yes.
Comment: This variant is classified as VUS-3C. Evidence in support of pathogenic classification: Variant is absent from gnomAD (v2, v3 and v4). Additional information: Variant is predicted to result in a loss of the canonical translation initiation codon (ATG) but an alternative initiation codon is known to exist. This variant results in loss of the start codon in only one transcript (NM_001368911.2) while all other transcripts have alternative initiation codons, including the MANE select transcript (NM_001368894.2); This variant is non-coding in an alternative transcript. This variant is non-coding and in the 5'UTR of many transcripts including the MANE select. It is only coding in one transcript with low expression levels (GTEx); This variant is heterozygous; This gene is associated with autosomal dominant disease; This variant has no previous evidence of pathogenicity; No published evidence of segregation with disease has been identified for this variant; No published functional evidence has been identified for this variant; Loss of function is a known mechanism of disease in this gene and is associated with PAX6-related conditions; Variants in this gene are known to have variable expressivity. Variable features have been reported for PAX6-related conditions (OMIM).